The following is an entry in ClinVar:

ClinVar aggregate classification (germline): Conflicting classifications of pathogenicity. Review status: criteria provided, conflicting classifications (1 of 4 stars). 4 submissions from 4 submitters: Uncertain significance (3); Likely benign (1). Last evaluated 2026-05-14.

Conditions:
Hereditary cancer-predisposing syndrome. Also called: Tumor predisposition; Hereditary Cancer Syndrome; Neoplastic Syndromes, Hereditary; Hereditary neoplastic syndrome. Identifiers: Orphanet 140162, MedGen C0027672, MeSH D009386, MONDO:0015356.
Hereditary breast ovarian cancer syndrome. Also called: Hereditary breast and ovarian cancer; Hereditary breast and ovarian cancer syndrome (HBOC); Hereditary breast and ovarian cancer syndrome; Breast and ovarian cancer; Hereditary breast and/or ovarian cancer syndrome; BRCA1- and BRCA2-Associated Hereditary Breast and Ovarian Cancer. Identifiers: Orphanet 145, MedGen C0677776, MeSH D061325, MONDO:0003582. Disease mechanism: loss of function.

Submissions (4):

Ambry Genetics
Classification: Uncertain significance for Hereditary cancer-predisposing syndrome. Last evaluated: 2026-05-14. Review status: criteria provided, single submitter. Criteria: Ambry Variant Classification Scheme 2023. Collection method: clinical testing. Allele origin: germline.
Comment: The p.K467N variant (also known as c.1401G>T), located in coding exon 9 of the BRCA2 gene, results from a G to T substitution at nucleotide position 1401. The lysine at codon 467 is replaced by asparagine, an amino acid with similar properties. This amino acid position is conserved. In addition, this alteration is predicted to be tolerated by in silico analysis. Based on the available evidence, the clinical significance of this variant remains unclear.

Labcorp Genetics (formerly Invitae), Labcorp
Classification: Uncertain significance for Hereditary breast ovarian cancer syndrome. Last evaluated: 2024-06-28. Review status: criteria provided, single submitter. Criteria: Invitae Variant Classification Sherloc (09022015). Collection method: clinical testing. Allele origin: germline.
Comment: This sequence change replaces lysine, which is basic and polar, with asparagine, which is neutral and polar, at codon 467 of the BRCA2 protein (p.Lys467Asn). This variant is not present in population databases (gnomAD no frequency). This variant has not been reported in the literature in individuals affected with BRCA2-related conditions. ClinVar contains an entry for this variant (Variation ID: 628373). Advanced modeling of protein sequence and biophysical properties (such as structural, functional, and spatial information, amino acid conservation, physicochemical variation, residue mobility, and thermodynamic stability) performed at Invitae indicates that this missense variant is not expected to disrupt BRCA2 protein function with a negative predictive value of 95%. In summary, the available evidence is currently insufficient to determine the role of this variant in disease. Therefore, it has been classified as a Variant of Uncertain Significance.

University of Washington Department of Laboratory Medicine, University of Washington
Classification: Likely benign for Hereditary cancer-predisposing syndrome. Last evaluated: 2023-03-23. Review status: criteria provided, single submitter. Criteria: Dines et al. (Genet Med. 2020). Collection method: curation. Allele origin: germline.
Comment: Missense variant in a coldspot region where missense variants are very unlikely to be pathogenic (PMID:31911673).

BRCA2 exon 10 coldspot. Reclassification based on statistical prior probability.

Color Diagnostics, LLC DBA Color Health
Classification: Uncertain significance for Hereditary cancer-predisposing syndrome. Last evaluated: 2019-06-08. Review status: criteria provided, single submitter. Criteria: ACMG Guidelines, 2015. Collection method: clinical testing. Allele origin: germline.

NM_000059.4(BRCA2):c.1401G>T (p.Lys467Asn)

Gene: BRCA2 (BRCA2 DNA repair associated; plus strand). Cytogenetic location: 13q13.1.
Variant type: single nucleotide variant.
Coding change: c.1401G>T on transcript NM_000059.4 (MANE Select); coding-DNA position 1401, G replaced by T.
Protein change: p.Lys467Asn; replaces lysine 467 with asparagine.
Molecular consequence: missense variant.
Genome position (GRCh38, 1-based): chr13:32,332,879, G>T. VCF-style: chr13-32332879-G-T. GRCh37 (hg19) VCF-style: chr13-32907016-G-T.
Other names: short protein forms K467N.
Identifiers: ClinVar variation 628373 (VCV000628373.8), dbSNP rs276174808, ClinGen allele CA387764155.